The following is an entry in ClinVar:

ClinVar aggregate classification (germline): Uncertain significance. Review status: criteria provided, multiple submitters, no conflicts (2 of 4 stars). 2 submissions from 2 submitters: Uncertain significance (2). Last evaluated 2026-08-24.

Conditions:
Inborn genetic diseases. Identifiers: MedGen C0950123, MeSH D030342.

Submissions (2):

Ambry Genetics
Classification: Uncertain significance for Inborn genetic diseases. Last evaluated: 2026-08-24. Review status: criteria provided, single submitter. Criteria: Ambry Variant Classification Scheme 2023. Collection method: clinical testing. Allele origin: germline.
Comment: The p.R708K variant (also known as c.2123G>A), located in coding exon 1 of the SAMD9 gene, results from a G to A substitution at nucleotide position 2123. The arginine at codon 708 is replaced by lysine, an amino acid with highly similar properties. This amino acid position is conserved. In addition, the in silico prediction for this alteration is inconclusive. Based on the available evidence, the clinical significance of this variant remains unclear.

Labcorp Genetics (formerly Invitae), Labcorp
Classification: Uncertain significance. Last evaluated: 2025-02-03. Review status: criteria provided, single submitter. Criteria: Invitae Variant Classification Sherloc (09022015). Collection method: clinical testing. Allele origin: germline.
Comment: This sequence change replaces arginine, which is basic and polar, with lysine, which is basic and polar, at codon 708 of the SAMD9 protein (p.Arg708Lys). This variant is not present in population databases (gnomAD no frequency). This variant has not been reported in the literature in individuals affected with SAMD9-related conditions. ClinVar contains an entry for this variant (Variation ID: 2120580). An algorithm developed to predict the effect of missense changes on protein structure and function outputs the following: PolyPhen-2: "Possibly Damaging". The lysine amino acid residue is found in multiple mammalian species, which suggests that this missense change does not adversely affect protein function. In summary, the available evidence is currently insufficient to determine the role of this variant in disease. Therefore, it has been classified as a Variant of Uncertain Significance.

NM_017654.4(SAMD9):c.2123G>A (p.Arg708Lys)

Gene: SAMD9 (sterile alpha motif domain containing 9; minus strand). Cytogenetic location: 7q21.2.
Variant type: single nucleotide variant.
Coding change: c.2123G>A on transcript NM_017654.4 (MANE Select); coding-DNA position 2123, G replaced by A.
Protein change: p.Arg708Lys; replaces arginine 708 with lysine.
Molecular consequence: missense variant.
Genome position (GRCh38, 1-based): chr7:93,103,975, C>T on the plus strand (G>A on the coding strand, the complement: SAMD9 is on the minus strand). VCF-style: chr7-93103975-C-T. GRCh37 (hg19) VCF-style: chr7-92733288-C-T.
Other names: c.2123G>A, p.Arg708Lys (NM_001193307.2); c.2123G>A (NM_017654.3); short protein forms R708K.
Identifiers: ClinVar variation 2120580 (VCV002120580.5), dbSNP rs2535358998, ClinGen allele CA368192965.